The following is an entry in ClinVar:

NM_004525.3(LRP2):c.13433C>A (p.Thr4478Asn)

Gene: LRP2 (LDL receptor related protein 2; minus strand). Cytogenetic location: 2q31.1.
Variant type: single nucleotide variant.
Coding change: c.13433C>A on transcript NM_004525.3 (MANE Select); coding-DNA position 13433, C replaced by A.
Protein change: p.Thr4478Asn; replaces threonine 4478 with asparagine.
Molecular consequence: missense variant.
Genome position (GRCh38, 1-based): chr2:169,138,662, G>T on the plus strand (C>A on the coding strand, the complement: LRP2 is on the minus strand). VCF-style: chr2-169138662-G-T. GRCh37 (hg19) VCF-style: chr2-169995172-G-T.
Other names: short protein forms T4478N.
Identifiers: ClinVar variation 1998009 (VCV001998009.4), dbSNP rs1462115520, ClinGen allele CA349155089.

ClinVar aggregate classification (germline): Uncertain significance (1 of 4 stars; one submission).

Submission:

Labcorp Genetics (formerly Invitae), Labcorp
Classification: Uncertain significance. Last evaluated: 2025-08-11. Review status: criteria provided, single submitter. Criteria: Invitae Variant Classification Sherloc (09022015). Collection method: clinical testing. Allele origin: germline.
Comment: This sequence change replaces threonine, which is neutral and polar, with asparagine, which is neutral and polar, at codon 4478 of the LRP2 protein (p.Thr4478Asn). This variant is not present in population databases (gnomAD no frequency). This variant has not been reported in the literature in individuals affected with LRP2-related conditions. ClinVar contains an entry for this variant (Variation ID: 1998009). Invitae Evidence Modeling of protein sequence and biophysical properties (such as structural, functional, and spatial information, amino acid conservation, physicochemical variation, residue mobility, and thermodynamic stability) indicates that this missense variant is not expected to disrupt LRP2 protein function with a negative predictive value of 95%. In summary, the available evidence is currently insufficient to determine the role of this variant in disease. Therefore, it has been classified as a Variant of Uncertain Significance.